The following is an entry in ClinVar:

NM_017763.6(RNF43):c.180A>G (p.Lys60=)

Gene: RNF43 (ring finger protein 43; minus strand). Cytogenetic location: 17q22.
Variant type: single nucleotide variant.
Coding change: c.180A>G on transcript NM_017763.6 (MANE Select); coding-DNA position 180, A replaced by G.
Protein change: p.Lys60=; no amino-acid change (lysine 60 retained).
Molecular consequence: synonymous variant.
Genome position (GRCh38, 1-based): chr17:58,415,398, T>C on the plus strand (A>G on the coding strand, the complement: RNF43 is on the minus strand). VCF-style: chr17-58415398-T-C. GRCh37 (hg19) VCF-style: chr17-56492759-T-C.
Other names: c.180A>G, p.Lys60= (NM_001305544.3).
Identifiers: ClinVar variation 1531517 (VCV001531517.10), dbSNP rs2143695125, ClinGen allele CA501061337.
Genomic context (GRCh38, chr17:58,415,398, plus strand): 5'-TCCTTCTGCTGGAGTTATTTCAGCAACACCAGCAAACACACCTTCCAAAGTGAGATTCAG[T>C]TTTCCTGTGGGGTCCATTTTCAAGGGGATCACTCTGATAATAGCTTTCTGTTCTGCTGAT-3'
Protein context (NP_060233.3, residues 50-70): VIPLKMDPTG[Lys60=]LNLTLEGVFA

ClinVar aggregate classification (germline): Benign/Likely benign. Review status: criteria provided, multiple submitters, no conflicts (2 of 4 stars). 3 submissions from 3 submitters: Benign (1); Likely benign (2). Last evaluated 2026-06-29.

Conditions:
Sessile serrated polyposis cancer syndrome (SSPCS). Identifiers: Orphanet 157798, MedGen C4310714, MONDO:0014919, OMIM 617108.

Submissions (3):

Myriad Genetics, Inc.
Classification: Benign for Sessile serrated polyposis cancer syndrome. Last evaluated: 2026-06-29. Review status: criteria provided, single submitter. Criteria: Myriad Autosomal Dominant, Autosomal Recessive and X-Linked Classification Criteria (2023). Collection method: clinical testing. Allele origin: unknown.
Comment: This variant is considered benign. This variant is a silent/synonymous amino acid change and it is not expected to impact splicing.

Ambry Genetics
Classification: Likely benign. Last evaluated: 2025-04-12. Review status: criteria provided, single submitter. Criteria: Ambry Variant Classification Scheme 2023. Collection method: clinical testing. Allele origin: germline.

Labcorp Genetics (formerly Invitae), Labcorp
Classification: Likely benign. Last evaluated: 2021-07-29. Review status: criteria provided, single submitter. Criteria: Invitae Variant Classification Sherloc (09022015). Collection method: clinical testing. Allele origin: germline.